The following is an entry in ClinVar:

ClinVar aggregate classification (germline): Uncertain significance (1 of 4 stars; one submission).

Conditions:
Chédiak-Higashi syndrome (CHS). Also called: Chediak-Higashi Syndrome. Identifiers: Orphanet 167, MedGen C0007965, MONDO:0008963, OMIM 214500.

Submission:

Labcorp Genetics (formerly Invitae), Labcorp
Classification: Uncertain significance for Chédiak-Higashi syndrome. Last evaluated: 2025-12-08. Review status: criteria provided, single submitter. Criteria: Invitae Variant Classification Sherloc (09022015). Collection method: clinical testing. Allele origin: germline.
Comment: This sequence change replaces histidine, which is basic and polar, with arginine, which is basic and polar, at codon 2510 of the LYST protein (p.His2510Arg). This variant is not present in population databases (gnomAD no frequency). This variant has not been reported in the literature in individuals affected with LYST-related conditions. ClinVar contains an entry for this variant (Variation ID: 2695987). Invitae Evidence Modeling of protein sequence and biophysical properties (such as structural, functional, and spatial information, amino acid conservation, physicochemical variation, residue mobility, and thermodynamic stability) indicates that this missense variant is not expected to disrupt LYST protein function with a negative predictive value of 80%. In summary, the available evidence is currently insufficient to determine the role of this variant in disease. Therefore, it has been classified as a Variant of Uncertain Significance.

NM_000081.4(LYST):c.7529A>G (p.His2510Arg)

Gene: LYST (lysosomal trafficking regulator; minus strand). Cytogenetic location: 1q42.3.
Variant type: single nucleotide variant.
Coding change: c.7529A>G on transcript NM_000081.4 (MANE Select); coding-DNA position 7529, A replaced by G.
Protein change: p.His2510Arg; replaces histidine 2510 with arginine.
Molecular consequence: missense variant.
Genome position (GRCh38, 1-based): chr1:235,752,103, T>C on the plus strand (A>G on the coding strand, the complement: LYST is on the minus strand). VCF-style: chr1-235752103-T-C. GRCh37 (hg19) VCF-style: chr1-235915403-T-C.
Other names: c.7529A>G, p.His2510Arg (NM_001301365.1); short protein forms H2510R.
Identifiers: ClinVar variation 2695987 (VCV002695987.3), dbSNP rs2527722073, ClinGen allele CA344930611.